The following is an entry in ClinVar:

ClinVar aggregate classification (germline): Uncertain significance. Review status: criteria provided, multiple submitters, no conflicts (2 of 4 stars). 3 submissions from 3 submitters: Uncertain significance (3). Last evaluated 2026-03-05.

Conditions:
Inborn genetic diseases. Identifiers: MedGen C0950123, MeSH D030342.
MEGF8-related Carpenter syndrome. Also called: Carpenter syndrome 2. Identifiers: Orphanet 65759, MedGen C3554247, MONDO:0013998, OMIM 614976.

Allele frequency attached by ClinVar (database versions not stated): gnomAD 0.00002 and 0.00003; TOPMed 0.00005; ExAC 0.00006; gnomAD exomes 0.00006.

Submissions (3):

GeneDx
Classification: Uncertain significance. Last evaluated: 2026-03-05. Review status: criteria provided, single submitter. Criteria: GeneDx Variant Classification Process June 2021. Collection method: clinical testing. Allele origin: germline.
Comment: In silico analysis suggests that this missense variant does not alter protein structure/function; Has not been previously published as pathogenic or benign to our knowledge

Ambry Genetics
Classification: Uncertain significance for Inborn genetic diseases. Last evaluated: 2021-10-22. Review status: criteria provided, single submitter. Criteria: Ambry Variant Classification Scheme 2023. Collection method: clinical testing. Allele origin: germline.

Labcorp Genetics (formerly Invitae), Labcorp
Classification: Uncertain significance for MEGF8-related Carpenter syndrome. Last evaluated: 2016-11-15. Review status: criteria provided, single submitter. Criteria: Invitae Variant Classification Sherloc (09022015). Collection method: clinical testing. Allele origin: germline.
Comment: In summary, this variant is a rare missense change with uncertain impact on protein function. There is no indication that it causes disease, but the available evidence is currently insufficient to prove that conclusively. Therefore, it has been classified as a Variant of Uncertain Significance. Algorithms developed to predict the effect of sequence changes on RNA splicing suggest that this variant may alter RNA splicing, but this prediction has not been confirmed by published transcriptional studies. Algorithms developed to predict the effect of missense changes on protein structure and function do not agree on the potential impact of this missense change (SIFT: "Deleterious"; PolyPhen-2: "Benign"; Align-GVGD: "Class C0"). This variant is present in population databases (rs754329335, ExAC 0.04%) but has not been reported in the literature in individuals with a MEGF8-related disease. This sequence change replaces arginine with glutamine at codon 2477 of the MEGF8 protein (p.Arg2477Gln). The arginine residue is moderately conserved and there is a small physicochemical difference between arginine and glutamine.

NM_001271938.2(MEGF8):c.7631G>A (p.Arg2544Gln)

Gene: MEGF8 (multiple EGF like domains 8; plus strand). Cytogenetic location: 19q13.2.
Variant type: single nucleotide variant.
Coding change: c.7631G>A on transcript NM_001271938.2 (MANE Select); coding-DNA position 7631, G replaced by A.
Protein change: p.Arg2544Gln; replaces arginine 2544 with glutamine.
Molecular consequence: missense variant.
Genome position (GRCh38, 1-based): chr19:42,375,868, G>A. VCF-style: chr19-42375868-G-A. GRCh37 (hg19) VCF-style: chr19-42880020-G-A.
Other names: c.7430G>A, p.Arg2477Gln (NM_001410.3); short protein forms R2477Q, R2544Q.
Identifiers: ClinVar variation 473347 (VCV000473347.10), dbSNP rs754329335, ClinGen allele CA9476219.
Genomic context (GRCh38, chr19:42,375,868, plus strand): 5'-TACACATCCAGCCACCCCCAGCCCCACCACCTCCACCACCCCCTGCAGATGGTGGGCCCC[G>A]GGGGGCTGGGGATCCAGGAGGAGCAGGGGCCAGCAGTGGGCCGGGCGCCCCAGCAGAGCC-3'
Protein context (NP_001258867.1, residues 2534-2554): PPPPPADGGP[Arg2544Gln]GAGDPGGAGA